The following is an entry in ClinVar:

ClinVar aggregate classification (germline): Likely benign. Review status: criteria provided, multiple submitters, no conflicts (2 of 4 stars). 3 submissions from 3 submitters: Likely benign (3). Last evaluated 2026-05-07.

Conditions:
DNAJB2-related disorder. Also called: DNAJB2-related condition.
Neuronopathy, distal hereditary motor, autosomal recessive 5. Also called: Spinal muscular atrophy, distal, autosomal recessive, 5; Young adult-onset distal hereditary motor neuropathy; NEUROPATHY, DISTAL HEREDITARY MOTOR, AUTOSOMAL RECESSIVE 5. Identifiers: Orphanet 314485, Orphanet 443950, MedGen C4749918, MONDO:0013947, OMIM 614881.

Allele frequency attached by ClinVar (database versions not stated): ExAC 0.00001.

Submissions (3):

PreventionGenetics, part of Exact Sciences
Classification: Likely benign for DNAJB2-related condition. Last evaluated: 2026-05-07. Review status: criteria provided, single submitter. Criteria: ACMG Guidelines, 2015. Collection method: clinical testing. Allele origin: germline.
Comment: This variant is classified as likely benign based on ACMG/AMP sequence variant interpretation guidelines (Richards et al. 2015 PMID: 25741868, with internal and published modifications).

Labcorp Genetics (formerly Invitae), Labcorp
Classification: Likely benign for Neuronopathy, distal hereditary motor, autosomal recessive 5. Last evaluated: 2025-10-23. Review status: criteria provided, single submitter. Criteria: Invitae Variant Classification Sherloc (09022015). Collection method: clinical testing. Allele origin: germline.

Mayo Clinic Laboratories, Mayo Clinic
Classification: Likely benign. Last evaluated: 2025-06-17. Review status: criteria provided, single submitter. Criteria: ACMG Guidelines, 2015. Collection method: clinical testing. Allele origin: germline. Observed: 1 variant allele.
Comment: BP4, BP7

NM_006736.6(DNAJB2):c.741C>T (p.Ser247=)

Gene: DNAJB2 (DnaJ heat shock protein family (Hsp40) member B2; plus strand). Cytogenetic location: 2q35.
Variant type: single nucleotide variant.
Coding change: c.741C>T on transcript NM_006736.6 (MANE Select); coding-DNA position 741, C replaced by T.
Protein change: p.Ser247=; no amino-acid change (serine 247 retained).
Molecular consequence: synonymous variant.
Genome position (GRCh38, 1-based): chr2:219,284,753, C>T. VCF-style: chr2-219284753-C-T. GRCh37 (hg19) VCF-style: chr2-220149475-C-T.
Other names: p.Ser247=; c.741C>T (NM_006736.5); c.741C>T, p.Ser247= (NM_001039550.2).
Identifiers: ClinVar variation 2901507 (VCV002901507.5), dbSNP rs564252894, ClinGen allele CA2123094.